The following is an entry in ClinVar:

NM_001903.5(CTNNA1):c.1057G>A (p.Gly353Ser)

Gene: CTNNA1 (catenin alpha 1; plus strand). Cytogenetic location: 5q31.2.
Variant type: single nucleotide variant.
Coding change: c.1057G>A on transcript NM_001903.5 (MANE Select); coding-DNA position 1057, G replaced by A.
Protein change: p.Gly353Ser; replaces glycine 353 with serine.
Molecular consequence: missense variant.
Genome position (GRCh38, 1-based): chr5:138,827,713, G>A. VCF-style: chr5-138827713-G-A. GRCh37 (hg19) VCF-style: chr5-138163402-G-A.
Other names: c.1057G>A, p.Gly353Ser (NM_001290307.3, NM_001323982.2, NM_001323983.1 and 3 more transcripts); c.748G>A, p.Gly250Ser (NM_001290309.3); c.688G>A, p.Gly230Ser (NM_001290310.3); short protein forms G353S, G250S, G230S.
Identifiers: ClinVar variation 3658373 (VCV003658373.2).

ClinVar aggregate classification (germline): Uncertain significance (1 of 4 stars; one submission).

Submission:

Labcorp Genetics (formerly Invitae), Labcorp
Classification: Uncertain significance. Last evaluated: 2024-07-03. Review status: criteria provided, single submitter. Criteria: Invitae Variant Classification Sherloc (09022015). Collection method: clinical testing. Allele origin: germline.
Comment: This sequence change replaces glycine, which is neutral and non-polar, with serine, which is neutral and polar, at codon 353 of the CTNNA1 protein (p.Gly353Ser). This variant is not present in population databases (gnomAD no frequency). This variant has not been reported in the literature in individuals affected with CTNNA1-related conditions. Advanced modeling of protein sequence and biophysical properties (such as structural, functional, and spatial information, amino acid conservation, physicochemical variation, residue mobility, and thermodynamic stability) performed at Invitae indicates that this missense variant is not expected to disrupt CTNNA1 protein function with a negative predictive value of 80%. In summary, the available evidence is currently insufficient to determine the role of this variant in disease. Therefore, it has been classified as a Variant of Uncertain Significance.